The following is an entry in ClinVar:

NM_003640.5(ELP1):c.3040G>A (p.Ala1014Thr)

Gene: ELP1 (elongator acetyltransferase complex subunit 1; minus strand). Cytogenetic location: 9q31.3.
Variant type: single nucleotide variant.
Coding change: c.3040G>A on transcript NM_003640.5 (MANE Select); coding-DNA position 3040, G replaced by A.
Protein change: p.Ala1014Thr; replaces alanine 1014 with threonine.
Molecular consequence: missense variant.
Genome position (GRCh38, 1-based): chr9:108,891,323, C>T on the plus strand (G>A on the coding strand, the complement: ELP1 is on the minus strand). VCF-style: chr9-108891323-C-T. GRCh37 (hg19) VCF-style: chr9-111653603-C-T.
Other names: c.2698G>A, p.Ala900Thr (NM_001318360.2); c.1993G>A, p.Ala665Thr (NM_001330749.2); c.3040G>A (NM_003640.3); short protein forms A900T, A1014T, A665T.
Identifiers: ClinVar variation 1037803 (VCV001037803.5), dbSNP rs770540843, ClinGen allele CA5174449.

ClinVar aggregate classification (germline): Uncertain significance. Review status: criteria provided, multiple submitters, no conflicts (2 of 4 stars). 4 submissions from 4 submitters: Uncertain significance (3). 1 of the submissions does not count toward it. Last evaluated 2024-08-14.

Conditions:
Familial dysautonomia. Also called: HSAN III; FD. Identifiers: Orphanet 1764, MedGen C0013364, MONDO:0009131, OMIM 223900. Disease mechanism: loss of function.
Medulloblastoma (MDB). Also called: Medulloblastoma, somatic; MEDULLOBLASTOMA PREDISPOSITION SYNDROME. Identifiers: Orphanet 616, MedGen C0025149, MeSH D008527, MONDO:0007959, OMIM 155255, HP:0002885.

Allele frequency attached by ClinVar (database versions not stated): ExAC 0.00001; gnomAD 0.00001; gnomAD exomes 0.00001; TOPMed 0.00001.
gnomAD v4.1: 15 of 1,614,034 alleles (0.00093%); highest among the groups gnomAD compares: Non-Finnish European, 0.0012%; no homozygotes.

Submissions (4):

Ambry Genetics
Classification: Uncertain significance. Last evaluated: 2024-08-14. Review status: criteria provided, single submitter. Criteria: Ambry Variant Classification Scheme 2023. Collection method: clinical testing. Allele origin: germline.

Labcorp Genetics (formerly Invitae), Labcorp
Classification: Uncertain significance. Last evaluated: 2022-07-30. Review status: criteria provided, single submitter. Criteria: Invitae Variant Classification Sherloc (09022015). Collection method: clinical testing. Allele origin: germline.
Comment: This sequence change replaces alanine, which is neutral and non-polar, with threonine, which is neutral and polar, at codon 1014 of the ELP1 protein (p.Ala1014Thr). This variant is present in population databases (rs770540843, gnomAD 0.002%). This variant has not been reported in the literature in individuals affected with ELP1-related conditions. ClinVar contains an entry for this variant (Variation ID: 1037803). Algorithms developed to predict the effect of missense changes on protein structure and function (SIFT, PolyPhen-2, Align-GVGD) all suggest that this variant is likely to be tolerated. In summary, the available evidence is currently insufficient to determine the role of this variant in disease. Therefore, it has been classified as a Variant of Uncertain Significance.

Fulgent Genetics
Classification: Uncertain significance for Medulloblastoma; Familial dysautonomia. Last evaluated: 2022-05-12. Review status: criteria provided, single submitter. Criteria: ACMG Guidelines, 2015. Collection method: clinical testing. Allele origin: unknown.

Natera, Inc.
Classification: Uncertain significance for Familial dysautonomia. Last evaluated: 2020-06-16. Review status: no assertion criteria provided. Collection method: clinical testing. Allele origin: germline. Not counted in ClinVar's aggregate classification.